The following is an entry in ClinVar:

ClinVar aggregate classification (germline): Uncertain significance. Review status: criteria provided, multiple submitters, no conflicts (2 of 4 stars). 2 submissions from 2 submitters: Uncertain significance (2). Last evaluated 2025-09-04.

Conditions:
Cardiovascular phenotype. Identifiers: MedGen CN230736.

Allele frequency attached by ClinVar (database versions not stated): TOPMed below 0.00001; gnomAD 0.00001; gnomAD exomes 0.00001.

Submissions (2):

Ambry Genetics
Classification: Uncertain significance for Cardiovascular phenotype. Last evaluated: 2025-09-04. Review status: criteria provided, single submitter. Criteria: Ambry Variant Classification Scheme 2023. Collection method: clinical testing. Allele origin: germline.
Comment: The p.R257C variant (also known as c.769C>T), located in coding exon 7 of the EFEMP2 gene, results from a C to T substitution at nucleotide position 769. The arginine at codon 257 is replaced by cysteine, an amino acid with highly dissimilar properties. This amino acid position is conserved. In addition, the in silico prediction for this alteration is inconclusive. Since supporting evidence is limited at this time, the clinical significance of this alteration remains unclear.

GeneDx
Classification: Uncertain significance. Last evaluated: 2022-02-24. Review status: criteria provided, single submitter. Criteria: GeneDx Variant Classification Process June 2021. Collection method: clinical testing. Allele origin: germline. Affected: yes.
Comment: Has not been previously published as pathogenic or benign to our knowledge; Not observed at significant frequency in large population cohorts (gnomAD); In silico analysis supports that this missense variant has a deleterious effect on protein structure/function

NM_016938.5(EFEMP2):c.769C>T (p.Arg257Cys)

Gene: EFEMP2 (EGF-like fibulin extracellular matrix protein 2; minus strand). Cytogenetic location: 11q13.1.
Variant type: single nucleotide variant.
Coding change: c.769C>T on transcript NM_016938.5 (MANE Select); coding-DNA position 769, C replaced by T.
Protein change: p.Arg257Cys; replaces arginine 257 with cysteine.
Molecular consequence: missense variant. On other transcripts: non-coding transcript variant (1).
Genome position (GRCh38, 1-based): chr11:65,868,588, G>A on the plus strand (C>T on the coding strand, the complement: EFEMP2 is on the minus strand). VCF-style: chr11-65868588-G-A. GRCh37 (hg19) VCF-style: chr11-65636059-G-A.
Other names: short protein forms R257C.
Identifiers: ClinVar variation 1703262 (VCV001703262.5), dbSNP rs972435635, ClinGen allele CA224016937.